The following is an entry in ClinVar:

ClinVar aggregate classification (germline): Uncertain significance (1 of 4 stars; one submission).

Submission:

ISCA site 17
Classification: Uncertain significance. Last evaluated: 2011-08-12. Review status: criteria provided, single submitter. Criteria: Kaminsky et al. (Genet Med. 2011). Collection method: clinical testing. Allele origin: unknown. Affected: yes. Observed: 1 variant allele.
Comment: Copy number variation identified through the course of routine clinical cytogenomic testing in postnatal populations. Clinical assertions have been curated as described in Kaminsky et al. 2011.

GRCh38/hg38 15q26.3(chr15:101500777-101843270)x1

Genes: LINC02348 (long intergenic non-protein coding RNA 2348; minus strand), OR4F15 (olfactory receptor family 4 subfamily F member 15; plus strand), OR4F6 (olfactory receptor family 4 subfamily F member 6; plus strand), TARS3 (threonyl-tRNA synthetase 3; minus strand), TM2D3 (TM2 domain containing 3; minus strand) and 9 more. Cytogenetic location: 15q26.3.
Variant type: copy number loss.
Change: copy number 1 (one copy instead of two) of chr15:101,500,777-101,843,270 (342.5 kb, GRCh38 coordinates, 1-based), cytogenetic band 15q26.3.
Identifiers: ClinVar variation 58226 (VCV000058226.1).